The following is an entry in ClinVar:

NM_014727.3(KMT2B):c.5603C>A (p.Pro1868His)

Gene: KMT2B (lysine methyltransferase 2B; plus strand). Cytogenetic location: 19q13.12.
Variant type: single nucleotide variant.
Coding change: c.5603C>A on transcript NM_014727.3 (MANE Select); coding-DNA position 5603, C replaced by A.
Protein change: p.Pro1868His; replaces proline 1868 with histidine.
Molecular consequence: missense variant.
Genome position (GRCh38, 1-based): chr19:35,732,073, C>A. VCF-style: chr19-35732073-C-A. GRCh37 (hg19) VCF-style: chr19-36222974-C-A.
Other names: short protein forms P1868H.
Identifiers: ClinVar variation 2446313 (VCV002446313.2), dbSNP rs780452581, ClinGen allele CA405422461.
Genomic context (GRCh38, chr19:35,732,073, plus strand): 5'-ATTCAGGCAGCGCCCCTCCTCCAGCCCCCCGTTCTTTTTCGGGGGCTCGAATCAAAGTGC[C>A]CAACTACTCGCCATCCCGGAGGCCCTTGGGGGGTGTCTCCTTTGGCCCCCTGCCCTCCCC-3'
Protein context (NP_055542.1, residues 1858-1878): RSFSGARIKV[Pro1868His]NYSPSRRPLG

ClinVar aggregate classification (germline): Uncertain significance. Review status: criteria provided, multiple submitters, no conflicts (2 of 4 stars). 2 submissions from 2 submitters: Uncertain significance (2). Last evaluated 2025-05-22.

Submissions (2):

Labcorp Genetics (formerly Invitae), Labcorp
Classification: Uncertain significance. Last evaluated: 2025-05-22. Review status: criteria provided, single submitter. Criteria: Invitae Variant Classification Sherloc (09022015). Collection method: clinical testing. Allele origin: germline.
Comment: This sequence change replaces proline, which is neutral and non-polar, with histidine, which is basic and polar, at codon 1868 of the KMT2B protein (p.Pro1868His). This variant is not present in population databases (gnomAD no frequency). This variant has not been reported in the literature in individuals affected with KMT2B-related conditions. ClinVar contains an entry for this variant (Variation ID: 2446313). Invitae Evidence Modeling of protein sequence and biophysical properties (such as structural, functional, and spatial information, amino acid conservation, physicochemical variation, residue mobility, and thermodynamic stability) has been performed for this missense variant. However, the output from this modeling did not meet the statistical confidence thresholds required to predict the impact of this variant on KMT2B protein function. In summary, the available evidence is currently insufficient to determine the role of this variant in disease. Therefore, it has been classified as a Variant of Uncertain Significance.

GeneDx
Classification: Uncertain significance. Last evaluated: 2022-09-27. Review status: criteria provided, single submitter. Criteria: GeneDx Variant Classification Process June 2021. Collection method: clinical testing. Allele origin: germline. Affected: yes.
Comment: Not observed at significant frequency in large population cohorts (gnomAD); In silico analysis supports that this missense variant has a deleterious effect on protein structure/function; Has not been previously published as pathogenic or benign to our knowledge